The following is an entry in ClinVar:

ClinVar aggregate classification (germline): Likely pathogenic (1 of 4 stars; one submission).

Conditions:
Autosomal recessive limb-girdle muscular dystrophy type 2B (LGMDR2). Also called: MUSCULAR DYSTROPHY, LIMB-GIRDLE, TYPE 3; MUSCULAR DYSTROPHY, LIMB-GIRDLE, AUTOSOMAL RECESSIVE 2; Limb-Girdle Muscular Dystrophy Type 2B (LGMD2B); Limb-girdle muscular dystrophy, type 2B. Identifiers: Orphanet 268, MedGen C1850889, MONDO:0009676, OMIM 253601.

Submission:

Natera, Inc.
Classification: Likely pathogenic for Limb-girdle muscular dystrophy type 2B. Last evaluated: 2025-07-29. Review status: criteria provided, single submitter. Criteria: Natera Variant Classification Schema (03/2026). Collection method: clinical testing. Allele origin: germline.
Comment: The c.3560del variant in DYSF is a frameshift variant predicted to shift the reading frame beginning at codon 1187 and leads to a stop codon 5 codons downstream. This variant is expected to result in nonsense mediated decay, truncation, or a dysfunctional protein product. This variant is rare in the general population with a frequency below the threshold expected for the associated phenotype(s). Given the available evidence, this variant is classified as Likely Pathogenic.

NM_001130987.2(DYSF):c.3614del (p.Lys1205fs)

Gene: DYSF (dysferlin; plus strand). Cytogenetic location: 2p13.2.
Variant type: Deletion.
Coding change: c.3614del on transcript NM_001130987.2 (MANE Select); coding-DNA position 3614, one base deleted (A; older notation c.3614delA).
Protein change: p.Lys1205fs; shifts the reading frame from lysine 1205.
Molecular consequence: frameshift variant.
Genome position (GRCh38, 1-based): chr2:71,598,603, A deleted; the last of 2 consecutive A bases (chr2:71,598,602-71,598,603); deleting either gives the same sequence. VCF-style (leftmost placement, unchanged base first): chr2-71598601-GA-G. GRCh37 (hg19) VCF-style: chr2-71825731-GA-G.
Other names: c.3563del, p.Lys1188fs (NM_001130455.2, NM_001130983.2); c.3518del, p.Lys1173fs (NM_001130976.2, NM_001130977.2); c.3560del, p.Lys1187fs (NM_001130978.2, NM_003494.4); c.3653del, p.Lys1218fs (NM_001130979.2); c.3611del, p.Lys1204fs (NM_001130980.2, NM_001130981.2); c.3656del, p.Lys1219fs (NM_001130982.2); c.3521del, p.Lys1174fs (NM_001130984.2, NM_001130986.2); c.3614del, p.Lys1205fs (NM_001130985.2); short protein forms K1173fs, K1174fs, K1187fs, K1188fs, K1204fs, K1205fs, K1218fs, K1219fs.
Identifiers: ClinVar variation 4815140 (VCV004815140.1).
Genomic context (GRCh38, chr2:71,598,601, plus strand): 5'-CTCCCCCTCTCCGGCCCATGCAGATCCCTATGCCATCGTCTCCTTCCTGCACCAGAGCCA[GA>G]AGACGGTGGTGGTGAAGAACACCCTTAACCCCACCTGGGACCAGACGCTCATCTTCTACG-3'